The following is an entry in ClinVar:

ClinVar aggregate classification (germline): Likely pathogenic (1 of 4 stars; one submission).

Conditions:
Autosomal recessive polycystic kidney disease (ARPKD). Also called: AR polycystic kidney disease. Identifiers: Orphanet 731, Orphanet 8378, MedGen C0085548, MeSH D017044, MONDO:0009889.

Submission:

Natera, Inc.
Classification: Likely pathogenic for Autosomal recessive polycystic kidney disease. Last evaluated: 2024-10-28. Review status: criteria provided, single submitter. Criteria: Natera Variant Classification Schema (03/2026). Collection method: clinical testing. Allele origin: germline.
Comment: The c.3545del variant in PKHD1 is a frameshift variant predicted to shift the reading frame beginning at codon 1182 and leads to a stop codon 38 codons downstream. This variant is expected to result in nonsense mediated decay, truncation, or a dysfunctional protein product. This variant is rare in the general population with a frequency below the threshold expected for the associated phenotype(s). Given the available evidence, this variant is classified as Likely Pathogenic.

NM_138694.4(PKHD1):c.3545del (p.Ser1182fs)

Gene: PKHD1 (PKHD1 ciliary IPT domain containing fibrocystin/polyductin; minus strand). Cytogenetic location: 6p12.2.
Variant type: Deletion.
Coding change: c.3545del on transcript NM_138694.4 (MANE Select); coding-DNA position 3545, one base deleted (G; older notation c.3545delG).
Protein change: p.Ser1182fs; shifts the reading frame from serine 1182.
Molecular consequence: frameshift variant.
Genome position (GRCh38, 1-based): chr6:52,028,171, C deleted on the plus strand (G on the coding strand, the reverse complement: PKHD1 is on the minus strand). VCF-style (leftmost placement, unchanged base first): chr6-52028170-GC-G. GRCh37 (hg19) VCF-style: chr6-51892968-GC-G.
Other names: c.3545del, p.Ser1182fs (NM_170724.3); short protein forms S1182fs.
Identifiers: ClinVar variation 4816636 (VCV004816636.1).
Genomic context (GRCh38, chr6:52,028,170, plus strand): 5'-CTAGACCATCAAACAAATCCAAAATTAATGCAAGTGGTCACCTCACCCTTGTGAGTGAAT[GC>G]TGACCCCATTGATAGAGACGGAAATTCTGTGGAGACCAGCTGGCAGTGGGGGCAGTGCCA-3'